The following is an entry in ClinVar:

ClinVar aggregate classification (germline): Conflicting classifications of pathogenicity. Review status: criteria provided, conflicting classifications (1 of 4 stars). 7 submissions from 7 submitters: Pathogenic (1); Likely pathogenic (1); Uncertain significance (2). 3 of the submissions do not count toward it. Last evaluated 2025-10-02.

Conditions:
SLC2A1-related disorder. Also called: SLC2A1-related condition; SLC2A1-related disorders.
Encephalopathy due to GLUT1 deficiency. Also called: GLUCOSE TRANSPORT DEFECT, BLOOD-BRAIN BARRIER; GLUT1 deficiency syndrome 1; GLUT1 deficiency syndrome 1, infantile onset, severe; De Vivo disease; Glucose transporter protein syndrome; Classic Glucose Transporter Type 1 Deficiency Syndrome. Identifiers: Orphanet 71277, MedGen C4551966, MONDO:0011724, OMIM 606777.
GLUT1 deficiency syndrome 1, autosomal recessive. Identifiers: MedGen C3149117.

gnomAD v4.1: 3 of 1,614,186 alleles (0.00019%); highest among the groups gnomAD compares: Middle Eastern, 0.016%; no homozygotes.

Submissions (7):

GeneDx
Classification: Uncertain significance. Last evaluated: 2025-10-02. Review status: criteria provided, single submitter. Criteria: GeneDx Variant Classification Process June 2021. Collection method: clinical testing. Allele origin: germline. Affected: yes.
Comment: Not observed at significant frequency in large population cohorts (gnomAD); In silico analysis supports that this missense variant has a deleterious effect on protein structure/function; This variant is associated with the following publications: (PMID: 24847886, 29303961, 20687207, 35943296, 37107561, 20221955)

Mayo Clinic Laboratories, Mayo Clinic
Classification: Uncertain significance. Last evaluated: 2024-12-24. Review status: criteria provided, single submitter. Criteria: ACMG Guidelines, 2015. Collection method: clinical testing. Allele origin: germline. Observed: 1 variant allele.
Comment: PP3_moderate, PM1, PM2_supporting, PS3_supporting

Labcorp Genetics (formerly Invitae), Labcorp
Classification: Pathogenic for GLUT1 deficiency syndrome 1, autosomal recessive. Last evaluated: 2022-08-16. Review status: criteria provided, single submitter. Criteria: Invitae Variant Classification Sherloc (09022015). Collection method: clinical testing. Allele origin: germline.
Comment: For these reasons, this variant has been classified as Pathogenic. Advanced modeling of protein sequence and biophysical properties (such as structural, functional, and spatial information, amino acid conservation, physicochemical variation, residue mobility, and thermodynamic stability) performed at Invitae indicates that this missense variant is expected to disrupt SLC2A1 protein function. ClinVar contains an entry for this variant (Variation ID: 16120). This missense change has been observed in individual(s) with SLC2A1-related conditions (PMID: 20221955, 20687207; Invitae). It has also been observed to segregate with disease in related individuals. This variant is not present in population databases (gnomAD no frequency). This sequence change replaces arginine, which is basic and polar, with tryptophan, which is neutral and slightly polar, at codon 468 of the SLC2A1 protein (p.Arg468Trp).

Institute of Medical Genetics and Applied Genomics, University Hospital Tübingen
Classification: Likely pathogenic. Last evaluated: 2021-09-15. Review status: criteria provided, single submitter. Criteria: ACMG Guidelines, 2015. Collection method: clinical testing. Allele origin: germline. Inheritance: Autosomal dominant inheritance. Affected: yes.

PreventionGenetics, part of Exact Sciences
Classification: Likely pathogenic for SLC2A1-related condition. Last evaluated: 2024-06-21. Review status: no assertion criteria provided. Collection method: clinical testing. Allele origin: germline. Not counted in ClinVar's aggregate classification.
Comment: The SLC2A1 c.1402C>T variant is predicted to result in the amino acid substitution p.Arg468Trp. This variant has been reported in the homozygous state in individuals with glucose transporter type 1 deficiency syndrome (Klepper et al. 2009. PubMed ID: 20221955; Rotstein et al. 2010. PubMed ID: 20687207). This variant has not been reported in a large population database, indicating this variant is rare. This variant is interpreted as likely pathogenic.

OMIM
Classification: Pathogenic for GLUT1 DEFICIENCY SYNDROME 1, AUTOSOMAL RECESSIVE. Last evaluated: 2009-10-01. Review status: no assertion criteria provided. Collection method: literature only. Allele origin: germline. Not counted in ClinVar's aggregate classification.

GeneReviews
No classification provided. Condition: Encephalopathy due to GLUT1 deficiency. Review status: no classification provided. Collection method: literature only. Allele origin: germline. Not counted in ClinVar's aggregate classification.

Literature cited by the submitters: PubMed 20221955 (cited by 3 submitters); PubMed 20687207 (cited by Mayo Clinic Laboratories, Mayo Clinic and Labcorp Genetics (formerly Invitae), Labcorp); NCBI Bookshelf NBK1430 (cited by GeneReviews).

NM_006516.4(SLC2A1):c.1402C>T (p.Arg468Trp)

Gene: SLC2A1 (solute carrier family 2 member 1; minus strand). Cytogenetic location: 1p34.2.
Variant type: single nucleotide variant.
Coding change: c.1402C>T on transcript NM_006516.4 (MANE Select); coding-DNA position 1402, C replaced by T.
Protein change: p.Arg468Trp; replaces arginine 468 with tryptophan.
Molecular consequence: missense variant.
Genome position (GRCh38, 1-based): chr1:42,927,118, G>A on the plus strand (C>T on the coding strand, the complement: SLC2A1 is on the minus strand). VCF-style: chr1-42927118-G-A. GRCh37 (hg19) VCF-style: chr1-43392789-G-A.
Other names: c.1402C>T (NM_006516.3); short protein forms R468W.
Identifiers: ClinVar variation 16120 (VCV000016120.18), dbSNP rs267607059, ClinGen allele CA019072.